The following is an entry in ClinVar:

ClinVar aggregate classification (germline): Likely benign. Review status: criteria provided, multiple submitters, no conflicts (2 of 4 stars). 2 submissions from 2 submitters: Likely benign (2). Last evaluated 2025-09-24.

Allele frequency attached by ClinVar (database versions not stated): TOPMed below 0.00001; ExAC 0.00001; gnomAD exomes 0.00001 and 0.00002; gnomAD 0.00003.
gnomAD v4.1: 13 of 1,613,758 alleles (0.00081%); highest among the groups gnomAD compares: African/African-American, 0.0013%; no homozygotes.

Submissions (2):

Mayo Clinic Laboratories, Mayo Clinic
Classification: Likely benign. Last evaluated: 2025-09-24. Review status: criteria provided, single submitter. Criteria: ACMG Guidelines, 2015. Collection method: clinical testing. Allele origin: germline. Observed: 1 variant allele.
Comment: BP4, BP7

Labcorp Genetics (formerly Invitae), Labcorp
Classification: Likely benign. Last evaluated: 2024-09-06. Review status: criteria provided, single submitter. Criteria: Invitae Variant Classification Sherloc (09022015). Collection method: clinical testing. Allele origin: germline.

NM_025074.7(FRAS1):c.11604C>T (p.Leu3868=)

Gene: FRAS1 (Fraser extracellular matrix complex subunit 1; plus strand). Cytogenetic location: 4q21.21.
Variant type: single nucleotide variant.
Coding change: c.11604C>T on transcript NM_025074.7 (MANE Select); coding-DNA position 11604, C replaced by T.
Protein change: p.Leu3868=; no amino-acid change (leucine 3868 retained).
Molecular consequence: synonymous variant.
Genome position (GRCh38, 1-based): chr4:78,540,689, C>T. VCF-style: chr4-78540689-C-T. GRCh37 (hg19) VCF-style: chr4-79461843-C-T.
Other names: p.Leu3868=.
Identifiers: ClinVar variation 755388 (VCV000755388.8), dbSNP rs751619292, ClinGen allele CA2979263.